The following is an entry in ClinVar:

ClinVar aggregate classification (germline): Uncertain significance. Review status: criteria provided, multiple submitters, no conflicts (2 of 4 stars). 3 submissions from 3 submitters: Uncertain significance (3). Last evaluated 2025-10-09.

Conditions:
Autosomal recessive limb-girdle muscular dystrophy type 2W (MDRCMTT). Also called: Muscular dystrophy, autosomal recessive, with cardiomyopathy and triangular tongue; Muscular dystrophy, limb-girdle, type 2W. Identifiers: MedGen C4225192, MONDO:0014788, OMIM 616827.

Allele frequency attached by ClinVar (database versions not stated): gnomAD exomes 0.00009; TOPMed 0.00010; ExAC 0.00012; 1000 Genomes Project 30x 0.00016; 1000 Genomes Project 0.00020; ESP Exome Variant Server 0.00054.
gnomAD v4.1: 236 of 1,611,120 alleles (0.015%); highest among the groups gnomAD compares: Non-Finnish European, 0.018%; no homozygotes.

Submissions (3):

Labcorp Genetics (formerly Invitae), Labcorp
Classification: Uncertain significance for Autosomal recessive limb-girdle muscular dystrophy type 2W. Last evaluated: 2025-10-09. Review status: criteria provided, single submitter. Criteria: Invitae Variant Classification Sherloc (09022015). Collection method: clinical testing. Allele origin: germline.
Comment: This sequence change replaces alanine, which is neutral and non-polar, with valine, which is neutral and non-polar, at codon 234 of the LIMS2 protein (p.Ala234Val). This variant is present in population databases (rs138275119, gnomAD 0.02%). This variant has not been reported in the literature in individuals affected with LIMS2-related conditions. ClinVar contains an entry for this variant (Variation ID: 858302). Invitae Evidence Modeling of protein sequence and biophysical properties (such as structural, functional, and spatial information, amino acid conservation, physicochemical variation, residue mobility, and thermodynamic stability) indicates that this missense variant is expected to disrupt LIMS2 protein function with a positive predictive value of 80%. In summary, the available evidence is currently insufficient to determine the role of this variant in disease. Therefore, it has been classified as a Variant of Uncertain Significance.

Revvity Omics, Revvity
Classification: Uncertain significance for Autosomal recessive limb-girdle muscular dystrophy type 2W. Last evaluated: 2025-04-21. Review status: criteria provided, single submitter. Criteria: ACMG Guidelines, 2015. Collection method: clinical testing. Allele origin: germline.

Ambry Genetics
Classification: Uncertain significance. Last evaluated: 2024-07-14. Review status: criteria provided, single submitter. Criteria: Ambry Variant Classification Scheme 2023. Collection method: clinical testing. Allele origin: germline.

NM_001161403.3(LIMS2):c.635C>T (p.Ala212Val)

Gene: LIMS2 (LIM zinc finger domain containing 2; minus strand). Cytogenetic location: 2q14.3.
Variant type: single nucleotide variant.
Coding change: c.635C>T on transcript NM_001161403.3 (MANE Select); coding-DNA position 635, C replaced by T.
Protein change: p.Ala212Val; replaces alanine 212 with valine.
Molecular consequence: missense variant.
Genome position (GRCh38, 1-based): chr2:127,642,074, G>A on the plus strand (C>T on the coding strand, the complement: LIMS2 is on the minus strand). VCF-style: chr2-127642074-G-A. GRCh37 (hg19) VCF-style: chr2-128399649-G-A.
Other names: c.701C>T, p.Ala234Val (NM_001136037.4); c.620C>T, p.Ala207Val (NM_001161404.2); c.179C>T, p.Ala60Val (NM_001256542.2); c.707C>T, p.Ala236Val (NM_017980.5); c.707C>T (NM_017980.4); c.701C>T (NM_001136037.3); short protein forms A207V, A212V, A234V, A60V, A236V.
Identifiers: ClinVar variation 858302 (VCV000858302.14), dbSNP rs138275119, ClinGen allele CA1862978.